The following is an entry in ClinVar:

NM_170707.4(LMNA):c.98del (p.Glu33fs)

Genes: LMNA (lamin A/C; plus strand), LOC129931597 (ATAC-STARR-seq lymphoblastoid silent region 1421; plus strand). Cytogenetic location: 1q22.
Variant type: Deletion.
Coding change: c.98del on transcript NM_170707.4 (MANE Select); coding-DNA position 98, one base deleted (A; older notation c.98delA).
Protein change: p.Glu33fs; shifts the reading frame from glutamic acid 33.
Molecular consequence: frameshift variant. On other transcripts: 5 prime UTR variant (8), intron variant (2).
Genome position (GRCh38, 1-based): chr1:156,115,016, A deleted. VCF-style (leftmost placement, unchanged base first): chr1-156115015-GA-G. GRCh37 (hg19) VCF-style: chr1-156084806-GA-G.
Other names: c.98del, p.Glu33fs (NM_001282625.2, NM_001282626.2, NM_001406983.1 and 6 more transcripts); c.-326del (NM_001406986.1); c.-304del (NM_001406990.1, NM_001406995.1, NM_001407002.1); c.-567del (NM_001406994.1, NM_001407000.1); c.-747del (NM_001406999.1); c.-410del (NM_001407001.1); c.-203+8193del (NM_001406993.1, NM_001407003.1); short protein forms E33fs.
Identifiers: ClinVar variation 4047736 (VCV004047736.1).

ClinVar aggregate classification (germline): Pathogenic (1 of 4 stars; one submission).

Conditions:
Cardiovascular phenotype. Identifiers: MedGen CN230736.

Submission:

Ambry Genetics
Classification: Pathogenic for Cardiovascular phenotype. Last evaluated: 2025-03-22. Review status: criteria provided, single submitter. Criteria: Ambry Variant Classification Scheme 2023. Collection method: clinical testing. Allele origin: germline.
Comment: The c.98delA pathogenic mutation, located in coding exon 1 of the LMNA gene, results from a deletion of one nucleotide at nucleotide position 98, causing a translational frameshift with a predicted alternate stop codon (p.E33Gfs*63). This variant is considered to be rare based on population cohorts in the Genome Aggregation Database (gnomAD). This alteration is expected to result in loss of function by premature protein truncation or nonsense-mediated mRNA decay. As such, this alteration is interpreted as a disease-causing mutation.